The following is an entry in ClinVar:

NM_000283.4(PDE6B):c.702_706del (p.Arg235fs)

Gene: PDE6B (phosphodiesterase 6B; plus strand). Cytogenetic location: 4p16.3.
Variant type: Deletion.
Coding change: c.702_706del on transcript NM_000283.4 (MANE Select); coding-DNA positions 702 to 706, 5 bases deleted (CCGCG; older notation c.702_706delCCGCG).
Protein change: p.Arg235fs; shifts the reading frame from arginine 235.
Molecular consequence: frameshift variant.
Genome position (GRCh38, 1-based): chr4:635,960-635,964, CCGCG deleted; deleting any 5 consecutive bases within chr4:635,956-635,964 gives the same sequence; the c. name uses the placement nearest the transcript's 3' end. VCF-style (leftmost placement, unchanged base first): chr4-635955-ACGCGC-A. GRCh37 (hg19) VCF-style: chr4-629744-ACGCGC-A.
Other names: c.702_706del, p.Arg235fs (NM_001145291.2); short protein forms R235fs.
Identifiers: ClinVar variation 3662056 (VCV003662056.2).

ClinVar aggregate classification (germline): Pathogenic (1 of 4 stars; one submission).

Submission:

Labcorp Genetics (formerly Invitae), Labcorp
Classification: Pathogenic. Last evaluated: 2024-08-12. Review status: criteria provided, single submitter. Criteria: Invitae Variant Classification Sherloc (09022015). Collection method: clinical testing. Allele origin: germline.
Comment: This sequence change creates a premature translational stop signal (p.Arg235Profs*12) in the PDE6B gene. It is expected to result in an absent or disrupted protein product. Loss-of-function variants in PDE6B are known to be pathogenic (PMID: 8394174, 8595886, 22334370). This variant is not present in population databases (gnomAD no frequency). This variant has not been reported in the literature in individuals affected with PDE6B-related conditions. For these reasons, this variant has been classified as Pathogenic.

Literature cited by the submitters: PubMed 8394174; PubMed 8595886; PubMed 22334370.